The following is an entry in ClinVar:

NM_004168.4(SDHA):c.1107C>A (p.His369Gln)

Gene: SDHA (succinate dehydrogenase complex flavoprotein subunit A; plus strand). Cytogenetic location: 5p15.33.
Variant type: single nucleotide variant.
Coding change: c.1107C>A on transcript NM_004168.4 (MANE Select); coding-DNA position 1107, C replaced by A.
Protein change: p.His369Gln; replaces histidine 369 with glutamine.
Molecular consequence: missense variant.
Genome position (GRCh38, 1-based): chr5:235,186, C>A. VCF-style: chr5-235186-C-A. GRCh37 (hg19) VCF-style: chr5-235301-C-A.
Other names: c.963C>A, p.His321Gln (NM_001294332.2); c.1107C>A, p.His369Gln (NM_001330758.2); short protein forms H369Q, H321Q.
Identifiers: ClinVar variation 539660 (VCV000539660.14), dbSNP rs1268877544, ClinGen allele CA359013470.
Genomic context (GRCh38, chr5:235,186, plus strand): 5'-GGTGTTCTGTCTTACCAGAGGCTGTGGCCCTGAGAAAGATCACGTCTACCTGCAGCTGCA[C>A]CACCTACCTCCAGAGCAGCTGGCCACGCGCCTGCCTGGCATTTCAGAGACAGCCATGATC-3'
Protein context (NP_004159.2, residues 359-379): PEKDHVYLQL[His369Gln]HLPPEQLATR

ClinVar aggregate classification (germline): Uncertain significance. Review status: criteria provided, multiple submitters, no conflicts (2 of 4 stars). 2 submissions from 2 submitters: Uncertain significance (2). Last evaluated 2025-11-27.

Conditions:
Mitochondrial complex II deficiency, nuclear type 1. Also called: SUCCINATE CoQ REDUCTASE DEFICIENCY. Identifiers: Orphanet 3208, MedGen C5700310, MONDO:0100294, OMIM 252011.
Pheochromocytoma/paraganglioma syndrome 5. Also called: Paragangliomas 5; SDHA-Related Hereditary Paraganglioma-Pheochromocytoma Syndrome. Identifiers: Orphanet 29072, MedGen C3279992, MONDO:0013602, OMIM 614165.
Hereditary cancer-predisposing syndrome. Also called: Neoplastic Syndromes, Hereditary; Tumor predisposition; Hereditary neoplastic syndrome; Hereditary Cancer Syndrome. Identifiers: Orphanet 140162, MedGen C0027672, MeSH D009386, MONDO:0015356.

Allele frequency attached by ClinVar (database versions not stated): TOPMed below 0.00001.
gnomAD v4.1: 7 of 1,613,976 alleles (0.00043%); highest among the groups gnomAD compares: Non-Finnish European, 0.00051%; no homozygotes.

Submissions (2):

Labcorp Genetics (formerly Invitae), Labcorp
Classification: Uncertain significance for Pheochromocytoma/paraganglioma syndrome 5; Mitochondrial complex II deficiency, nuclear type 1. Last evaluated: 2025-11-27. Review status: criteria provided, single submitter. Criteria: Invitae Variant Classification Sherloc (09022015). Collection method: clinical testing. Allele origin: germline.
Comment: This sequence change replaces histidine, which is basic and polar, with glutamine, which is neutral and polar, at codon 369 of the SDHA protein (p.His369Gln). This variant is not present in population databases (gnomAD no frequency). This variant has not been reported in the literature in individuals affected with SDHA-related conditions. ClinVar contains an entry for this variant (Variation ID: 539660). Invitae Evidence Modeling of protein sequence and biophysical properties (such as structural, functional, and spatial information, amino acid conservation, physicochemical variation, residue mobility, and thermodynamic stability) indicates that this missense variant is not expected to disrupt SDHA protein function with a negative predictive value of 95%. In summary, the available evidence is currently insufficient to determine the role of this variant in disease. Therefore, it has been classified as a Variant of Uncertain Significance.

Ambry Genetics
Classification: Uncertain significance for Hereditary cancer-predisposing syndrome. Last evaluated: 2025-09-17. Review status: criteria provided, single submitter. Criteria: Ambry Variant Classification Scheme 2023. Collection method: clinical testing. Allele origin: germline.
Comment: The p.H369Q variant (also known as c.1107C>A), located in coding exon 9 of the SDHA gene, results from a C to A substitution at nucleotide position 1107. The histidine at codon 369 is replaced by glutamine, an amino acid with highly similar properties. This amino acid position is highly conserved in available vertebrate species. In addition, the in silico prediction for this alteration is inconclusive. Since supporting evidence is limited at this time, the clinical significance of this alteration remains unclear.